The following is an entry in ClinVar:

NM_002528.7(NTHL1):c.272_275delinsC (p.Ile91_Arg92delinsThr)

Gene: NTHL1 (nth like DNA glycosylase 1; minus strand). Cytogenetic location: 16p13.3.
Variant type: Indel.
Coding change: c.272_275delinsC on transcript NM_002528.7 (MANE Select); coding-DNA positions 272 to 275, TCCG replaced by C.
Protein change: p.Ile91_Arg92delinsThr.
Molecular consequence: inframe indel. On other transcripts: intron variant (1).
Genome position (GRCh38, 1-based): chr16:2,046,207-2,046,210, CGGA replaced by G on the plus strand (TCCG replaced by C on the coding strand, the reverse complement: NTHL1 is on the minus strand). VCF-style: chr16-2046207-CGGA-G. GRCh37 (hg19) VCF-style: chr16-2096208-CGGA-G.
Other names: c.272_275delinsC, p.Ile91_Arg92delinsThr (NM_001318193.2); c.24+70_24+73delinsC (NM_001318194.2).
Identifiers: ClinVar variation 5025914 (VCV005025914.1).

ClinVar aggregate classification (germline): Uncertain significance (1 of 4 stars; one submission).

Conditions:
Hereditary cancer-predisposing syndrome. Also called: Neoplastic Syndromes, Hereditary; Tumor predisposition; Hereditary neoplastic syndrome; Hereditary Cancer Syndrome. Identifiers: Orphanet 140162, MedGen C0027672, MeSH D009386, MONDO:0015356.

Submission:

Ambry Genetics
Classification: Uncertain significance for Hereditary cancer-predisposing syndrome. Last evaluated: 2026-07-21. Review status: criteria provided, single submitter. Criteria: Ambry Variant Classification Scheme 2023. Collection method: clinical testing. Allele origin: germline.
Comment: The c.296_299delTCCGinsC variant (also known as p.I99_R100delinsT), located in coding exon 2 of the NTHL1 gene, results from an in-frame deletion of TCCG and insertion of C at nucleotide positions 296 to 299. This results in the deletion of 2 residues (IR) and the insertion of a threonine residue at codons 99 to 100. These amino acid positions are highly conserved in available vertebrate species. In addition, this variant is predicted to be deleterious by in silico analysis (Choi Y et al. PLoS ONE. 2012; 7(10):e46688). Based on the available evidence, the clinical significance of this variant remains unclear.